The following is an entry in ClinVar:

NM_000264.5(PTCH1):c.1735G>A (p.Val579Ile)

Genes: PTCH1 (patched 1; minus strand), LOC100507346 (uncharacterized LOC100507346; plus strand). Cytogenetic location: 9q22.32.
Variant type: single nucleotide variant.
Coding change: c.1735G>A on transcript NM_000264.5 (MANE Select); coding-DNA position 1735, G replaced by A.
Protein change: p.Val579Ile; replaces valine 579 with isoleucine.
Molecular consequence: missense variant. On other transcripts: non-coding transcript variant (2).
Genome position (GRCh38, 1-based): chr9:95,469,925, C>T on the plus strand (G>A on the coding strand, the complement: PTCH1 is on the minus strand). VCF-style: chr9-95469925-C-T. GRCh37 (hg19) VCF-style: chr9-98232207-C-T.
Other names: c.1537G>A, p.Val513Ile (NM_001083602.3); c.1732G>A, p.Val578Ile (NM_001083603.3); c.1282G>A, p.Val428Ile (NM_001083604.3, NM_001083605.3, NM_001083606.3 and 1 more transcripts); c.1579G>A, p.Val527Ile (NM_001354918.2); short protein forms V513I, V579I, V527I, V428I, V578I.
Identifiers: ClinVar variation 659529 (VCV000659529.40), dbSNP rs751708515, ClinGen allele CA5138523.
Genomic context (GRCh38, chr9:95,469,925, plus strand): 5'-CCATGCTGAGAATTGCAGGAAAAATGAGCAGAACCATGGCAAAATTGAACACCACTACTA[C>T]CGCTGCCTGGGAGCAGAAAAAAAATTCAGAGGTCACCAACATGCCTCCGCCCAATCAGAG-3'
Protein context (NP_000255.2, residues 569-589): ALRAFSLQAA[Val579Ile]VVVFNFAMVL

ClinVar aggregate classification (germline): Conflicting classifications of pathogenicity. Review status: criteria provided, conflicting classifications (1 of 4 stars). 4 submissions from 4 submitters: Uncertain significance (2); Likely benign (2). Last evaluated 2026-02-03.

Conditions:
Gorlin syndrome. Also called: Nevoid Basal Cell Carcinoma Syndrome; Basal cell nevus syndrome. Identifiers: Orphanet 377, MedGen C0004779, MONDO:0007187.
Hereditary cancer-predisposing syndrome. Also called: Neoplastic Syndromes, Hereditary; Hereditary Cancer Syndrome; Tumor predisposition; Hereditary neoplastic syndrome. Identifiers: Orphanet 140162, MedGen C0027672, MeSH D009386, MONDO:0015356.
PTCH1-related disorder. Also called: PTCH1-related disorders; PTCH1-related condition.

Allele frequency attached by ClinVar (database versions not stated): gnomAD 0.00001; gnomAD exomes 0.00001; ExAC 0.00002.
gnomAD v4.1: 20 of 1,613,594 alleles (0.0012%); highest among the groups gnomAD compares: Non-Finnish European, 0.0017%; no homozygotes.

Submissions (4):

Labcorp Genetics (formerly Invitae), Labcorp
Classification: Likely benign for Gorlin syndrome. Last evaluated: 2026-02-03. Review status: criteria provided, single submitter. Criteria: Invitae Variant Classification Sherloc (09022015). Collection method: clinical testing. Allele origin: germline.

Ambry Genetics
Classification: Likely benign for Hereditary cancer-predisposing syndrome. Last evaluated: 2024-04-25. Review status: criteria provided, single submitter. Criteria: Ambry Variant Classification Scheme 2023. Collection method: clinical testing. Allele origin: germline.

PreventionGenetics, part of Exact Sciences
Classification: Uncertain significance for PTCH1-related condition. Last evaluated: 2023-04-13. Review status: criteria provided, single submitter. Criteria: ACMG Guidelines, 2015. Collection method: clinical testing. Allele origin: germline.
Comment: The PTCH1 c.1735G>A variant is predicted to result in the amino acid substitution p.Val579Ile. To our knowledge, this variant has not been reported in the literature. This variant is reported in 0.0026% of alleles in individuals of European (Non-Finnish) descent in gnomAD. This variant is classified as likely benign in ClinVar. At this time, the clinical significance of this variant is uncertain due to the absence of conclusive functional and genetic evidence.

CeGaT Center for Human Genetics Tuebingen
Classification: Uncertain significance. Last evaluated: 2023-02-01. Review status: criteria provided, single submitter. Criteria: CeGaT Center For Human Genetics Tuebingen Variant Classification Criteria Version 2. Collection method: clinical testing. Allele origin: germline. Affected: yes. Observed: 1 variant allele.